The following is an entry in ClinVar:

NM_000089.4(COL1A2):c.779C>T (p.Ala260Val)

Gene: COL1A2 (collagen type I alpha 2 chain; plus strand). Cytogenetic location: 7q21.3.
Variant type: single nucleotide variant.
Coding change: c.779C>T on transcript NM_000089.4 (MANE Select); coding-DNA position 779, C replaced by T.
Protein change: p.Ala260Val; replaces alanine 260 with valine.
Molecular consequence: missense variant.
Genome position (GRCh38, 1-based): chr7:94,408,810, C>T. VCF-style: chr7-94408810-C-T. GRCh37 (hg19) VCF-style: chr7-94038122-C-T.
Other names: short protein forms A260V.
Identifiers: ClinVar variation 547237 (VCV000547237.4), dbSNP rs1554395967, ClinGen allele CA368220507.

ClinVar aggregate classification (germline): Uncertain significance. Review status: criteria provided, multiple submitters, no conflicts (2 of 4 stars). 2 submissions from 2 submitters: Uncertain significance (2). Last evaluated 2022-12-09.

Conditions:
Osteogenesis imperfecta type I (OI1). Also called: OI, TYPE I; OSTEOGENESIS IMPERFECTA TARDA; OSTEOGENESIS IMPERFECTA WITH BLUE SCLERAE; Lobstein's Disease; Classic Non-deforming Osteogenesis Imperfecta with Blue Sclerae; Lobstein disease. Identifiers: Orphanet 216796, Orphanet 666, MedGen C0023931, MONDO:0008146, OMIM 166200. Disease mechanism: loss of function.
Ehlers-Danlos syndrome, classic type, 1 (EDSCL1). Also called: Ehlers-Danlos Syndrome, Classic Type, COL5A1-Related; EDS I; Ehlers-Danlos syndrome, type 1; EHLERS-DANLOS SYNDROME, GRAVIS TYPE; EHLERS-DANLOS SYNDROME, SEVERE CLASSIC TYPE. Identifiers: MedGen C0268335, MONDO:0019567, OMIM 130000.
Connective tissue disorder. Also called: Connective tissue disease. Identifiers: MedGen C0009782, MONDO:0003900.

Submissions (2):

Labcorp Genetics (formerly Invitae), Labcorp
Classification: Uncertain significance for Osteogenesis imperfecta type I; Ehlers-Danlos syndrome, classic type, 1. Last evaluated: 2022-12-09. Review status: criteria provided, single submitter. Criteria: Invitae Variant Classification Sherloc (09022015). Collection method: clinical testing. Allele origin: germline.
Comment: In summary, the available evidence is currently insufficient to determine the role of this variant in disease. Therefore, it has been classified as a Variant of Uncertain Significance. Advanced modeling of protein sequence and biophysical properties (such as structural, functional, and spatial information, amino acid conservation, physicochemical variation, residue mobility, and thermodynamic stability) performed at Invitae indicates that this missense variant is not expected to disrupt COL1A2 protein function. ClinVar contains an entry for this variant (Variation ID: 547237). This variant has not been reported in the literature in individuals affected with COL1A2-related conditions. This variant is not present in population databases (gnomAD no frequency). This sequence change replaces alanine, which is neutral and non-polar, with valine, which is neutral and non-polar, at codon 260 of the COL1A2 protein (p.Ala260Val).

Center for Human Genetics, Inc
Classification: Uncertain significance for Connective tissue disorder. Last evaluated: 2016-11-01. Review status: criteria provided, single submitter. Criteria: ACMG Guidelines, 2015. Collection method: clinical testing. Allele origin: germline. Affected: yes.